The following is an entry in ClinVar:

NM_005045.4(RELN):c.3830T>C (p.Met1277Thr)

Gene: RELN (reelin; minus strand). Cytogenetic location: 7q22.1.
Variant type: single nucleotide variant.
Coding change: c.3830T>C on transcript NM_005045.4 (MANE Select); coding-DNA position 3830, T replaced by C.
Protein change: p.Met1277Thr; replaces methionine 1277 with threonine.
Molecular consequence: missense variant.
Genome position (GRCh38, 1-based): chr7:103,593,764, A>G on the plus strand (T>C on the coding strand, the complement: RELN is on the minus strand). VCF-style: chr7-103593764-A-G. GRCh37 (hg19) VCF-style: chr7-103234211-A-G.
Other names: c.3830T>C, p.Met1277Thr (NM_173054.3); short protein forms M1277T.
Identifiers: ClinVar variation 3898723 (VCV003898723.7).

ClinVar aggregate classification (germline): Uncertain significance (1 of 4 stars; one submission).

Submission:

CeGaT Center for Human Genetics Tuebingen
Classification: Uncertain significance. Last evaluated: 2025-04-01. Review status: criteria provided, single submitter. Criteria: CeGaT Center For Human Genetics Tuebingen Variant Classification Criteria Version 2. Collection method: clinical testing. Allele origin: germline. Affected: yes. Observed: 1 variant allele.
Comment: RELN: PM2